The following is an entry in ClinVar:

ClinVar aggregate classification (germline): Uncertain significance. Review status: criteria provided, multiple submitters, no conflicts (2 of 4 stars). 2 submissions from 2 submitters: Uncertain significance (2). Last evaluated 2023-02-15.

Conditions:
Inborn genetic diseases. Identifiers: MedGen C0950123, MeSH D030342.
Stromme syndrome (STROMS). Also called: APPLE PEEL SYNDROME WITH MICROCEPHALY AND OCULAR ANOMALIES; Strømme Syndrome; Ciliary dyskinesia, primary, 31. Identifiers: Orphanet 444069, Orphanet 506307, MedGen C1855705, MONDO:0009477, OMIM 243605.

Allele frequency attached by ClinVar (database versions not stated): TOPMed below 0.00001; ExAC 0.00001; gnomAD exomes 0.00001 and 0.00002.
gnomAD v4.1: 16 of 1,613,612 alleles (0.00099%); highest among the groups gnomAD compares: Middle Eastern, 0.017%; no homozygotes.

Submissions (2):

Ambry Genetics
Classification: Uncertain significance for Inborn genetic diseases. Last evaluated: 2023-02-15. Review status: criteria provided, single submitter. Criteria: Ambry Variant Classification Scheme 2023. Collection method: clinical testing. Allele origin: germline.

Baylor Genetics
Classification: Uncertain significance for Stromme syndrome. Last evaluated: 2018-06-14. Review status: criteria provided, single submitter. Criteria: ACMG Guidelines, 2015. Collection method: clinical testing. Allele origin: maternal. Affected: yes.
Comment: This variant was determined to be of uncertain significance according to ACMG Guidelines, 2015 [PMID:25741868].

NM_016343.4(CENPF):c.7307C>T (p.Ser2436Leu)

Gene: CENPF (centromere protein F; plus strand). Cytogenetic location: 1q41.
Variant type: single nucleotide variant.
Coding change: c.7307C>T on transcript NM_016343.4 (MANE Select); coding-DNA position 7307, C replaced by T.
Protein change: p.Ser2436Leu; replaces serine 2436 with leucine.
Molecular consequence: missense variant.
Genome position (GRCh38, 1-based): chr1:214,646,877, C>T. VCF-style: chr1-214646877-C-T. GRCh37 (hg19) VCF-style: chr1-214820220-C-T.
Other names: short protein forms S2436L.
Identifiers: ClinVar variation 1033405 (VCV001033405.3), dbSNP rs771199196, ClinGen allele CA1391095.